The following is an entry in ClinVar:

ClinVar aggregate classification (germline): Uncertain significance (1 of 4 stars; one submission).

Conditions:
Autoimmune interstitial lung disease-arthritis syndrome. Also called: Autoinflammation and autoimmunity, systemic, with immune dysregulation. Identifiers: Orphanet 444092, MedGen C5975714, MONDO:0014629.

gnomAD v4.1: 1 of 1,613,582 alleles (0.000062%); highest among the groups gnomAD compares: Non-Finnish European, 0.000085%; no homozygotes.

Submission:

Labcorp Genetics (formerly Invitae), Labcorp
Classification: Uncertain significance for Autoimmune interstitial lung disease-arthritis syndrome. Last evaluated: 2025-08-26. Review status: criteria provided, single submitter. Criteria: Invitae Variant Classification Sherloc (09022015). Collection method: clinical testing. Allele origin: germline.
Comment: This sequence change replaces glutamine, which is neutral and polar, with glutamic acid, which is acidic and polar, at codon 918 of the COPA protein (p.Gln918Glu). This variant is not present in population databases (gnomAD no frequency). This variant has not been reported in the literature in individuals affected with COPA-related conditions. ClinVar contains an entry for this variant (Variation ID: 3654326). An algorithm developed to predict the effect of missense changes on protein structure and function (PolyPhen-2) suggests that this variant is likely to be tolerated. In summary, the available evidence is currently insufficient to determine the role of this variant in disease. Therefore, it has been classified as a Variant of Uncertain Significance.

NM_004371.4(COPA):c.2752C>G (p.Gln918Glu)

Gene: COPA (coat protein complex I subunit alpha; minus strand). Cytogenetic location: 1q23.2.
Variant type: single nucleotide variant.
Coding change: c.2752C>G on transcript NM_004371.4 (MANE Select); coding-DNA position 2752, C replaced by G.
Protein change: p.Gln918Glu; replaces glutamine 918 with glutamic acid.
Molecular consequence: missense variant.
Genome position (GRCh38, 1-based): chr1:160,293,388, G>C on the plus strand (C>G on the coding strand, the complement: COPA is on the minus strand). VCF-style: chr1-160293388-G-C. GRCh37 (hg19) VCF-style: chr1-160263178-G-C.
Other names: c.2779C>G, p.Gln927Glu (NM_001098398.2); short protein forms Q918E, Q927E.
Identifiers: ClinVar variation 3654326 (VCV003654326.2).
Genomic context (GRCh38, chr1:160,293,388, plus strand): 5'-ATATACCAATCAAGTATTAGCCACTCATCCCTGCCGTGCTAGGTTTCTTCCCGCTTACCT[G>C]AGTTGGACTTGTTCCCTTGGTTGGGGGCACAAAGAAACCATCTTCAGCCCCACCAGCTGC-3'
Protein context (NP_004362.2, residues 908-928): VPPTKGTSPT[Gln918Glu]IWCNNSQLPV